The following is an entry in ClinVar:

ClinVar aggregate classification (germline): not provided (0 of 4 stars; one submission).

Conditions:
Familial cancer of breast. Also called: hereditary breast carcinoma; BREAST CANCER, FAMILIAL; Hereditary breast cancer. Identifiers: Orphanet 227535, MedGen C0346153, MONDO:0016419, OMIM 114480. Disease mechanism: loss of function.

Submissions (2):

Brotman Baty Institute, University of Washington
No classification provided (evidence only). Condition: Breast-ovarian cancer, familial 1. Review status: no classification provided. Collection method: in vitro. Allele origin: not applicable. Functional consequence: functionally_abnormal. Not counted in ClinVar's aggregate classification.
ClinVar note: "not provided" was previously submitted as the classification for the variant. However, the classification appeared to be based only on an observation of functional data so it was converted to no classification on 2025-07-30.

ClinVar Staff, National Center for Biotechnology Information (NCBI)
No classification provided. Condition: Familial cancer of breast. Review status: no classification provided. Collection method: literature only. Allele origin: germline. Affected: yes.

Literature cited by the submitters: PubMed 12497638 (cited by ClinVar Staff, National Center for Biotechnology Information (NCBI)).

NM_007294.4(BRCA1):c.5258G>A (p.Arg1753Lys)

Gene: BRCA1 (BRCA1 DNA repair associated; minus strand). Cytogenetic location: 17q21.31.
Variant type: single nucleotide variant.
Coding change: c.5258G>A on transcript NM_007294.4 (MANE Select); coding-DNA position 5258, G replaced by A.
Protein change: p.Arg1753Lys; replaces arginine 1753 with lysine.
Molecular consequence: missense variant. On other transcripts: non-coding transcript variant (1).
Genome position (GRCh38, 1-based): chr17:43,057,071, C>T on the plus strand (G>A on the coding strand, the complement: BRCA1 is on the minus strand). VCF-style: chr17-43057071-C-T. GRCh37 (hg19) VCF-style: chr17-41209088-C-T.
Other names: c.5255G>A, p.Arg1752Lys (NM_001407610.1, NM_001407611.1, NM_001407612.1 and 17 more transcripts); c.5252G>A, p.Arg1751Lys (NM_001407629.1, NM_001407630.1, NM_001407631.1 and 14 more transcripts); c.5198G>A, p.Arg1733Lys (NM_001407649.1); c.5180G>A, p.Arg1727Lys (NM_001407652.1, NM_001407653.1, NM_001407654.1 and 1 more transcripts); c.5177G>A, p.Arg1726Lys (NM_001407656.1, NM_001407657.1, NM_001407658.1); c.5174G>A, p.Arg1725Lys (NM_001407659.1, NM_001407660.1, NM_001407661.1 and 2 more transcripts); c.5129G>A, p.Arg1710Lys (NM_001407689.1, NM_001407941.1, NM_001407681.1 and 6 more transcripts); c.5126G>A, p.Arg1709Lys (NM_001407690.1, NM_001407691.1); and 72 more; short protein forms R1753K, R649K, R1706K, R1774K, R1584K, R1624K, R1642K, R1683K.
Identifiers: ClinVar variation 55487 (VCV000055487.4), dbSNP rs397509246, ClinGen allele CA003397.
Genomic context (GRCh38, chr17:43,057,071, plus strand): 5'-GTGGGGTGAGATTTTTGTCAACTTGAGGGAGGGAGCTTTACCTTTCTGTCCTGGGATTCT[C>T]TTGCTCGCTTTGGACCTTGGTGGTTTCTTCCATTGACCACATCTCCTCTGACTTCAAAAT-3'
Protein context (NP_009225.1, residues 1743-1763): GRNHQGPKRA[Arg1753Lys]ESQDRKIFRG